The following is an entry in ClinVar:

ClinVar aggregate classification (germline): Uncertain significance (1 of 4 stars; one submission).

Submission:

Women's Health and Genetics/Laboratory Corporation of America, LabCorp
Classification: Uncertain significance. Last evaluated: 2026-06-08. Review status: criteria provided, single submitter. Criteria: LabCorp Variant Classification Summary - May 2015. Collection method: clinical testing. Allele origin: germline.
Comment: Variant summary: CAMK2A c.1195C>G (p.Leu399Val) results in a conservative amino acid change in the encoded protein sequence. Algorithms developed to predict the effect of missense changes on protein structure and function are either unavailable or do not agree on the potential impact of this missense change. The variant was absent in 249420 control chromosomes. The available data on variant occurrences in the general population are insufficient to allow any conclusion about variant significance. To our knowledge, no occurrence of c.1195C>G in individuals affected with CAMK2A-related conditions and no experimental evidence demonstrating its impact on protein function have been reported. ClinVar contains an entry for this variant (Variation ID: 4537120). Based on the evidence outlined above, the variant was classified as uncertain significance.

NM_015981.4(CAMK2A):c.1195C>G (p.Leu399Val)

Gene: CAMK2A (calcium/calmodulin dependent protein kinase II alpha; minus strand). Cytogenetic location: 5q32.
Variant type: single nucleotide variant.
Coding change: c.1195C>G on transcript NM_015981.4 (MANE Select); coding-DNA position 1195, C replaced by G.
Protein change: p.Leu399Val; replaces leucine 399 with valine.
Molecular consequence: missense variant.
Genome position (GRCh38, 1-based): chr5:150,228,234, G>C on the plus strand (C>G on the coding strand, the complement: CAMK2A is on the minus strand). VCF-style: chr5-150228234-G-C. GRCh37 (hg19) VCF-style: chr5-149607797-G-C.
Other names: c.1195C>G, p.Leu399Val (NM_001363989.1); c.1162C>G, p.Leu388Val (NM_001363990.1, NM_001369025.2, NM_171825.3); short protein forms L388V, L399V.
Identifiers: ClinVar variation 4537120 (VCV004537120.2).